The following is an entry in ClinVar:

ClinVar aggregate classification (germline): Uncertain significance (1 of 4 stars; one submission).

Submission:

GeneDx
Classification: Uncertain significance. Last evaluated: 2025-08-07. Review status: criteria provided, single submitter. Criteria: GeneDx Variant Classification Process June 2021. Collection method: clinical testing. Allele origin: germline. Affected: yes.
Comment: Frameshift variant predicted to result in protein truncation or nonsense mediated decay in a gene or region of a gene for which loss of function is not a well-established mechanism of disease; Not observed at significant frequency in large population cohorts (gnomAD); Has not been previously published as pathogenic or benign to our knowledge

NM_014975.3(MAST1):c.2533del (p.Glu845fs)

Gene: MAST1 (microtubule associated serine/threonine kinase 1; plus strand). Cytogenetic location: 19p13.13.
Variant type: Deletion.
Coding change: c.2533del on transcript NM_014975.3 (MANE Select); coding-DNA position 2533, one base deleted (G; older notation c.2533delG).
Protein change: p.Glu845fs; shifts the reading frame from glutamic acid 845.
Molecular consequence: frameshift variant.
Genome position (GRCh38, 1-based): chr19:12,867,944, G deleted; the last of 4 consecutive G bases (chr19:12,867,941-12,867,944); deleting any one gives the same sequence. VCF-style (leftmost placement, unchanged base first): chr19-12867940-AG-A. GRCh37 (hg19) VCF-style: chr19-12978754-AG-A.
Other names: short protein forms E845fs.
Identifiers: ClinVar variation 3371530 (VCV003371530.2).